The following is an entry in ClinVar:

NM_000540.3(RYR1):c.7910C>T (p.Ala2637Val)

Gene: RYR1 (ryanodine receptor 1; plus strand). Cytogenetic location: 19q13.2.
Variant type: single nucleotide variant.
Coding change: c.7910C>T on transcript NM_000540.3 (MANE Select); coding-DNA position 7910, C replaced by T.
Protein change: p.Ala2637Val; replaces alanine 2637 with valine.
Molecular consequence: missense variant.
Genome position (GRCh38, 1-based): chr19:38,502,954, C>T. VCF-style: chr19-38502954-C-T. GRCh37 (hg19) VCF-style: chr19-38993594-C-T.
Other names: c.7910C>T, p.Ala2637Val (NM_001042723.2); short protein forms A2637V.
Identifiers: ClinVar variation 4758125 (VCV004758125.1).

ClinVar aggregate classification (germline): Uncertain significance (1 of 4 stars; one submission).

Conditions:
Malignant hyperthermia, susceptibility to, 1 (MHS1). Also called: RYR1-Related Malignant Hyperthermia Susceptibility; Malignant hyperthermia suceptibility 1; Anesthesia related hyperthermia; Malignant hyperpyrexia; Fulminating hyperpyrexia; Pharmacogenic myopathy. Identifiers: Orphanet 423, MedGen C2930980, MONDO:0007783, OMIM 145600.

gnomAD v4.1: 1 of 1,610,080 alleles (0.000062%); highest among the groups gnomAD compares: Non-Finnish European, 0.000085%; no homozygotes.

Submission:

Color Diagnostics, LLC DBA Color Health
Classification: Uncertain significance for Malignant hyperthermia, susceptibility to, 1. Last evaluated: 2025-10-12. Review status: criteria provided, single submitter. Criteria: ACMG Guidelines, 2015. Collection method: clinical testing. Allele origin: germline.
Comment: This missense variant replaces alanine with valine at codon 2637 of the RYR1 protein. Computational prediction suggests that this variant may not impact protein structure and function. To our knowledge, functional studies have not been reported for this variant. This variant has not been reported in individuals affected with RYR1-related disorders in the literature. This variant has been identified in 1/1457804 chromosomes in the general population by the Genome Aggregation Database (gnomAD). The available evidence is insufficient to determine the role of this variant in disease conclusively. Therefore, this variant is classified as a Variant of Uncertain Significance.